The following is an entry in ClinVar:

NM_018451.5(CPAP):c.2081A>G (p.Asp694Gly)

Gene: CPAP (centrosome assembly and centriole elongation protein; minus strand). Cytogenetic location: 13q12.13.
Variant type: single nucleotide variant.
Coding change: c.2081A>G on transcript NM_018451.5 (MANE Select); coding-DNA position 2081, A replaced by G.
Protein change: p.Asp694Gly; replaces aspartic acid 694 with glycine.
Molecular consequence: missense variant. On other transcripts: non-coding transcript variant (2).
Genome position (GRCh38, 1-based): chr13:24,905,957, T>C on the plus strand (A>G on the coding strand, the complement: CPAP is on the minus strand). VCF-style: chr13-24905957-T-C. GRCh37 (hg19) VCF-style: chr13-25480095-T-C.
Other names: short protein forms D694G.
Identifiers: ClinVar variation 1427944 (VCV001427944.4), dbSNP rs1051334540, ClinGen allele CA247081680.

ClinVar aggregate classification (germline): Uncertain significance (1 of 4 stars; one submission).

Allele frequency attached by ClinVar (database versions not stated): TOPMed 0.00002; gnomAD exomes 0.00001; gnomAD 0.00001.
gnomAD v4.1: 6 of 1,614,086 alleles (0.00037%); highest among the groups gnomAD compares: Admixed American, 0.0033%; no homozygotes.

Submission:

Labcorp Genetics (formerly Invitae), Labcorp
Classification: Uncertain significance. Last evaluated: 2024-11-05. Review status: criteria provided, single submitter. Criteria: Invitae Variant Classification Sherloc (09022015). Collection method: clinical testing. Allele origin: germline.
Comment: This sequence change replaces aspartic acid, which is acidic and polar, with glycine, which is neutral and non-polar, at codon 694 of the CENPJ protein (p.Asp694Gly). This variant is present in population databases (no rsID available, gnomAD 0.003%). This variant has not been reported in the literature in individuals affected with CENPJ-related conditions. ClinVar contains an entry for this variant (Variation ID: 1427944). Invitae Evidence Modeling of protein sequence and biophysical properties (such as structural, functional, and spatial information, amino acid conservation, physicochemical variation, residue mobility, and thermodynamic stability) indicates that this missense variant is not expected to disrupt CENPJ protein function with a negative predictive value of 80%. In summary, the available evidence is currently insufficient to determine the role of this variant in disease. Therefore, it has been classified as a Variant of Uncertain Significance.